The following is an entry in ClinVar:

ClinVar aggregate classification (germline): Uncertain significance (1 of 4 stars; one submission).

Conditions:
Sitosterolemia (STSL). Also called: PHYTOSTEROLEMIA. Identifiers: Orphanet 2882, MedGen C0342907, MONDO:0008863.

Allele frequency attached by ClinVar (database versions not stated): gnomAD exomes below 0.00001.
gnomAD v4.1: 2 of 1,579,960 alleles (0.00013%); highest among the groups gnomAD compares: Non-Finnish European, 0.00017%; no homozygotes.

Submission:

Labcorp Genetics (formerly Invitae), Labcorp
Classification: Uncertain significance for Sitosterolemia. Last evaluated: 2022-03-31. Review status: criteria provided, single submitter. Criteria: Invitae Variant Classification Sherloc (09022015). Collection method: clinical testing. Allele origin: germline.
Comment: This sequence change replaces lysine, which is basic and polar, with glutamic acid, which is acidic and polar, at codon 92 of the ABCG5 protein (p.Lys92Glu). This variant is not present in population databases (gnomAD no frequency). This variant has not been reported in the literature in individuals affected with ABCG5-related conditions. Algorithms developed to predict the effect of missense changes on protein structure and function (SIFT, PolyPhen-2, Align-GVGD) all suggest that this variant is likely to be disruptive. In summary, the available evidence is currently insufficient to determine the role of this variant in disease. Therefore, it has been classified as a Variant of Uncertain Significance.

NM_022436.3(ABCG5):c.274A>G (p.Lys92Glu)

Gene: ABCG5 (ATP binding cassette subfamily G member 5; minus strand). Cytogenetic location: 2p21.
Variant type: single nucleotide variant.
Coding change: c.274A>G on transcript NM_022436.3 (MANE Select); coding-DNA position 274, A replaced by G.
Protein change: p.Lys92Glu; replaces lysine 92 with glutamic acid.
Molecular consequence: missense variant.
Genome position (GRCh38, 1-based): chr2:43,832,075, T>C on the plus strand (A>G on the coding strand, the complement: ABCG5 is on the minus strand). VCF-style: chr2-43832075-T-C. GRCh37 (hg19) VCF-style: chr2-44059214-T-C.
Other names: short protein forms K92E.
Identifiers: ClinVar variation 2123691 (VCV002123691.4), dbSNP rs2466095732, ClinGen allele CA346668321.